The following is an entry in ClinVar:

ClinVar aggregate classification (germline): Uncertain significance (1 of 4 stars; one submission).

gnomAD v4.1: 24 of 1,551,782 alleles (0.0015%); highest among the groups gnomAD compares: South Asian, 0.013%; no homozygotes.

Submission:

CeGaT Center for Human Genetics Tuebingen
Classification: Uncertain significance. Last evaluated: 2024-09-01. Review status: criteria provided, single submitter. Criteria: CeGaT Center For Human Genetics Tuebingen Variant Classification Criteria Version 2. Collection method: clinical testing. Allele origin: germline. Affected: yes. Observed: 1 variant allele.
Comment: SETD1B: PP2, BP4

NM_001353345.2(SETD1B):c.3481T>G (p.Ser1161Ala)

Gene: SETD1B (SET domain containing 1B, histone lysine methyltransferase; plus strand). Cytogenetic location: 12q24.31.
Variant type: single nucleotide variant.
Coding change: c.3481T>G on transcript NM_001353345.2 (MANE Select); coding-DNA position 3481, T replaced by G.
Protein change: p.Ser1161Ala; replaces serine 1161 with alanine.
Molecular consequence: missense variant.
Genome position (GRCh38, 1-based): chr12:121,819,466, T>G. VCF-style: chr12-121819466-T-G. GRCh37 (hg19) VCF-style: chr12-122257372-T-G.
Other names: short protein forms S1161A.
Identifiers: ClinVar variation 3341664 (VCV003341664.16).